The following is an entry in ClinVar:

ClinVar aggregate classification (germline): Benign (0 of 4 stars; one submission).

Conditions:
EPHX2-related disorder. Also called: EPHX2-related condition.

Allele frequency attached by ClinVar (database versions not stated): TOPMed 0.00011; gnomAD 0.00044; gnomAD exomes 0.00080; ExAC 0.00192; 1000 Genomes Project 30x 0.00453; 1000 Genomes Project 0.00499.
gnomAD v4.1: 1,253 of 1,614,118 alleles (0.078%); highest among the groups gnomAD compares: South Asian, 1.3%; 23 homozygotes.

Submission:

PreventionGenetics, part of Exact Sciences
Classification: Benign for EPHX2-related condition. Last evaluated: 2019-04-10. Review status: no assertion criteria provided. Collection method: clinical testing. Allele origin: germline.
Comment: This variant is classified as benign based on ACMG/AMP sequence variant interpretation guidelines (Richards et al. 2015 PMID: 25741868, with internal and published modifications).

NM_001979.6(EPHX2):c.1081C>T (p.Pro361Ser)

Gene: EPHX2 (epoxide hydrolase 2; plus strand). Cytogenetic location: 8p21.1.
Variant type: single nucleotide variant.
Coding change: c.1081C>T on transcript NM_001979.6 (MANE Select); coding-DNA position 1081, C replaced by T.
Protein change: p.Pro361Ser; replaces proline 361 with serine.
Molecular consequence: missense variant. On other transcripts: non-coding transcript variant (3).
Genome position (GRCh38, 1-based): chr8:27,525,384, C>T. VCF-style: chr8-27525384-C-T. GRCh37 (hg19) VCF-style: chr8-27382901-C-T.
Other names: c.922C>T, p.Pro308Ser (NM_001256482.2, NM_001256484.2); c.883C>T, p.Pro295Ser (NM_001256483.2); c.1081C>T, p.Pro361Ser (NM_001414016.1, NM_001414017.1, NM_001414018.1 and 1 more transcripts); c.985C>T, p.Pro329Ser (NM_001414019.1); c.958C>T, p.Pro320Ser (NM_001414020.1); short protein forms P295S, P308S, P320S, P329S, P361S.
Identifiers: ClinVar variation 3058383 (VCV003058383.2), dbSNP rs201276018, ClinGen allele CA4690299.